The following is an entry in ClinVar:

NM_024408.4(NOTCH2):c.1652C>T (p.Pro551Leu)

Gene: NOTCH2 (notch receptor 2; minus strand). Cytogenetic location: 1p12.
Variant type: single nucleotide variant.
Coding change: c.1652C>T on transcript NM_024408.4 (MANE Select); coding-DNA position 1652, C replaced by T.
Protein change: p.Pro551Leu; replaces proline 551 with leucine.
Molecular consequence: missense variant.
Genome position (GRCh38, 1-based): chr1:119,965,482, G>A on the plus strand (C>T on the coding strand, the complement: NOTCH2 is on the minus strand). VCF-style: chr1-119965482-G-A. GRCh37 (hg19) VCF-style: chr1-120508105-G-A.
Other names: c.1652C>T, p.Pro551Leu (NM_001200001.2); short protein forms P551L.
Identifiers: ClinVar variation 4851394 (VCV004851394.1).
Genomic context (GRCh38, chr1:119,965,482, plus strand): 5'-CCAAGGAGATGAAAAGTGAGAAGAATCTTACCTGTGGCACACTGGCATTCATAGCCATTC[G>A]GGTGATCGATACACTTTGCCCCATTCAGACACGGAGTACTGGAACAGTCATCAATATCAA-3'
Protein context (NP_077719.2, residues 541-561): CLNGAKCIDH[Pro551Leu]NGYECQCATG

ClinVar aggregate classification (germline): Likely benign (1 of 4 stars; one submission).

Conditions:
Alagille syndrome due to a NOTCH2 point mutation. Also called: Alagille syndrome 2. Identifiers: Orphanet 261629, Orphanet 52, MedGen C1857761, MONDO:0012439, OMIM 610205.

Submission:

Centre for Medical Genetics,  Mumbai
Classification: Likely benign for Alagille syndrome due to a NOTCH2 point mutation. Last evaluated: 2026-04-18. Review status: criteria provided, single submitter. Criteria: ACMG Guidelines, 2015. Collection method: provider interpretation. Allele origin: germline. Inheritance: Autosomal dominant inheritance. Affected: no. Observed: 1 variant allele, 1 heterozygote.
Comment: The variant satisfies PM2 criteria - extremely low frequency in gnomAD population databases. The variant satisfies PP3 criteria - for a missense or a splicing region variant, computational prediction tools unanimously support a deleterious effect on the gene. The variant satisfies PP2 criteria - missense variant in a gene with low rate of benign missense mutations and for which missense mutation is a common mechanism of a disease. However, the variant satisfies BS2 criteria - present in heterozygous state in an individual that clinically does not have Alagille syndrome 2.

Literature cited by the submitters: PubMed 16773578.